The following is an entry in ClinVar:

ClinVar aggregate classification (germline): Uncertain significance (1 of 4 stars; one submission).

gnomAD v4.1: 1 of 1,613,132 alleles (0.000062%); highest among the groups gnomAD compares: African/African-American, 0.0013%; no homozygotes.

Submission:

Labcorp Genetics (formerly Invitae), Labcorp
Classification: Uncertain significance. Last evaluated: 2024-12-15. Review status: criteria provided, single submitter. Criteria: Invitae Variant Classification Sherloc (09022015). Collection method: clinical testing. Allele origin: germline.
Comment: This sequence change replaces proline, which is neutral and non-polar, with threonine, which is neutral and polar, at codon 813 of the HMCN1 protein (p.Pro813Thr). This variant is not present in population databases (gnomAD no frequency). This variant has not been reported in the literature in individuals affected with HMCN1-related conditions. An algorithm developed to predict the effect of missense changes on protein structure and function (PolyPhen-2) suggests that this variant is likely to be disruptive. In summary, the available evidence is currently insufficient to determine the role of this variant in disease. Therefore, it has been classified as a Variant of Uncertain Significance.

NM_031935.3(HMCN1):c.2437C>A (p.Pro813Thr)

Gene: HMCN1 (hemicentin 1; plus strand). Cytogenetic location: 1q31.1.
Variant type: single nucleotide variant.
Coding change: c.2437C>A on transcript NM_031935.3 (MANE Select); coding-DNA position 2437, C replaced by A.
Protein change: p.Pro813Thr; replaces proline 813 with threonine.
Molecular consequence: missense variant.
Genome position (GRCh38, 1-based): chr1:185,977,852, C>A. VCF-style: chr1-185977852-C-A. GRCh37 (hg19) VCF-style: chr1-185946984-C-A.
Other names: short protein forms P813T.
Identifiers: ClinVar variation 3727340 (VCV003727340.2).